The following is an entry in ClinVar:

NM_005475.3(SH2B3):c.1684C>G (p.Arg562Gly)

Gene: SH2B3 (SH2B adaptor protein 3; plus strand). Cytogenetic location: 12q24.12.
Variant type: single nucleotide variant.
Coding change: c.1684C>G on transcript NM_005475.3 (MANE Select); coding-DNA position 1684, C replaced by G.
Protein change: p.Arg562Gly; replaces arginine 562 with glycine.
Molecular consequence: missense variant.
Genome position (GRCh38, 1-based): chr12:111,448,258, C>G. VCF-style: chr12-111448258-C-G. GRCh37 (hg19) VCF-style: chr12-111886062-C-G.
Other names: c.1078C>G, p.Arg360Gly (NM_001291424.1); short protein forms R360G, R562G.
Identifiers: ClinVar variation 4163949 (VCV004163949.1).
Genomic context (GRCh38, chr12:111,448,258, plus strand): 5'-CTGGAGCATGAGCCTGTGAATCGAGCCCGGGACTCGGACTACGAAATGGACTCATCCTCC[C>G]GGAGCCACCTGCGGGCCATAGACAATCAGTACACACCTCTCTGACCAGTGAGGAATTCCA-3'
Protein context (NP_005466.1, residues 552-572): DSDYEMDSSS[Arg562Gly]SHLRAIDNQY

ClinVar aggregate classification (germline): Uncertain significance (1 of 4 stars; one submission).

Conditions:
Inborn genetic diseases. Identifiers: MedGen C0950123, MeSH D030342.

Submission:

Ambry Genetics
Classification: Uncertain significance for Inborn genetic diseases. Last evaluated: 2025-07-16. Review status: criteria provided, single submitter. Criteria: Ambry Variant Classification Scheme 2023. Collection method: clinical testing. Allele origin: germline.
Comment: The p.R562G variant (also known as c.1684C>G), located in coding exon 7 of the SH2B3 gene, results from a C to G substitution at nucleotide position 1684. The arginine at codon 562 is replaced by glycine, an amino acid with dissimilar properties. This amino acid position is conserved. In addition, this alteration is predicted to be deleterious by in silico analysis. Based on the available evidence, the clinical significance of this variant remains unclear.